The following is an entry in ClinVar:

NM_000018.4(ACADVL):c.975G>C (p.Glu325Asp)

Gene: ACADVL (acyl-CoA dehydrogenase very long chain; plus strand). Cytogenetic location: 17p13.1.
Variant type: single nucleotide variant.
Coding change: c.975G>C on transcript NM_000018.4 (MANE Select); coding-DNA position 975, G replaced by C.
Protein change: p.Glu325Asp; replaces glutamic acid 325 with aspartic acid.
Molecular consequence: missense variant.
Genome position (GRCh38, 1-based): chr17:7,222,763, G>C. VCF-style: chr17-7222763-G-C. GRCh37 (hg19) VCF-style: chr17-7126082-G-C.
Other names: c.909G>C, p.Glu303Asp (NM_001033859.3); c.1044G>C, p.Glu348Asp (NM_001270447.2); c.747G>C, p.Glu249Asp (NM_001270448.2); short protein forms E325D, E303D, E249D, E348D.
Identifiers: ClinVar variation 1366912 (VCV001366912.7), dbSNP rs1271862153, ClinGen allele CA397724082.
Genomic context (GRCh38, chr17:7,222,763, plus strand): 5'-AAACACAGCAGAGGTGTTCTTTGATGGAGTACGGGTGCCATCGGAGAACGTGCTGGGTGA[G>C]GTTGGGAGTGGCTTCAAGGTTGCCATGCACATCCTCAACAATGGAAGGTTTGGCATGGCT-3'
Protein context (NP_000009.1, residues 315-335): VRVPSENVLG[Glu325Asp]VGSGFKVAMH

ClinVar aggregate classification (germline): Uncertain significance. Review status: criteria provided, multiple submitters, no conflicts (2 of 4 stars). 2 submissions from 2 submitters: Uncertain significance (2). Last evaluated 2023-11-27.

Conditions:
Very long chain acyl-CoA dehydrogenase deficiency (ACADVLD). Also called: VLCAD Deficiency; Very Long-Chain Acyl-Coenzyme A Dehydrogenase Deficiency. Identifiers: Orphanet 26793, MedGen C3887523, MONDO:0008723, OMIM 201475.

Allele frequency attached by ClinVar (database versions not stated): gnomAD exomes below 0.00001.

Submissions (2):

Revvity Omics, Revvity
Classification: Uncertain significance for Very long chain acyl-CoA dehydrogenase deficiency. Last evaluated: 2023-11-27. Review status: criteria provided, single submitter. Criteria: ACMG Guidelines, 2015. Collection method: clinical testing. Allele origin: germline.

Labcorp Genetics (formerly Invitae), Labcorp
Classification: Uncertain significance for Very long chain acyl-CoA dehydrogenase deficiency. Last evaluated: 2022-08-09. Review status: criteria provided, single submitter. Criteria: Invitae Variant Classification Sherloc (09022015). Collection method: clinical testing. Allele origin: germline.
Comment: This sequence change replaces glutamic acid, which is acidic and polar, with aspartic acid, which is acidic and polar, at codon 325 of the ACADVL protein (p.Glu325Asp). This variant is present in population databases (no rsID available, gnomAD no frequency). This variant has not been reported in the literature in individuals affected with ACADVL-related conditions. ClinVar contains an entry for this variant (Variation ID: 1366912). Algorithms developed to predict the effect of missense changes on protein structure and function (SIFT, PolyPhen-2, Align-GVGD) all suggest that this variant is likely to be tolerated. In summary, the available evidence is currently insufficient to determine the role of this variant in disease. Therefore, it has been classified as a Variant of Uncertain Significance.